The following is an entry in ClinVar:

NM_020911.2(PLXNA4):c.2252C>T (p.Pro751Leu)

Gene: PLXNA4 (plexin A4; minus strand). Cytogenetic location: 7q32.3.
Variant type: single nucleotide variant.
Coding change: c.2252C>T on transcript NM_020911.2 (MANE Select); coding-DNA position 2252, C replaced by T.
Protein change: p.Pro751Leu; replaces proline 751 with leucine.
Molecular consequence: missense variant.
Genome position (GRCh38, 1-based): chr7:132,210,989, G>A on the plus strand (C>T on the coding strand, the complement: PLXNA4 is on the minus strand). VCF-style: chr7-132210989-G-A. GRCh37 (hg19) VCF-style: chr7-131895748-G-A.
Other names: c.2252C>T, p.Pro751Leu (NM_001393897.1); short protein forms P751L.
Identifiers: ClinVar variation 5002468 (VCV005002468.1).

ClinVar aggregate classification (germline): Uncertain significance (1 of 4 stars; one submission).

Conditions:
PLXNA4-related disorder. Also called: PLXNA4-related condition.

Submission:

PreventionGenetics, part of Exact Sciences
Classification: Uncertain significance for PLXNA4-related condition. Last evaluated: 2026-09-23. Review status: criteria provided, single submitter. Criteria: ACMG Guidelines, 2015. Collection method: clinical testing. Allele origin: germline.
Comment: The PLXNA4 c.2252C>T variant is predicted to result in the amino acid substitution p.Pro751Leu. To our knowledge, this variant has not been reported in the literature or in a large population database (gnomAD), indicating this variant is rare. At this time, the clinical significance of this variant is uncertain due to the absence of conclusive functional and genetic evidence.